The following continues an entry in ClinVar:

NM_000158.4(GBE1):c.708G>C (p.Gln236His)

Gene: GBE1. ClinVar aggregate classification (germline): Pathogenic/Likely pathogenic. Pathogenic (3); Likely pathogenic (13).

Submissions 13 to 17 of 17:

PreventionGenetics, part of Exact Sciences
Classification: Likely pathogenic for GBE1-related condition. Last evaluated: 2023-08-29. Review status: criteria provided, single submitter. Criteria: ACMG Guidelines, 2015. Collection method: clinical testing. Allele origin: germline.
Comment: The GBE1 c.708G>C variant is predicted to result in the amino acid substitution p.Gln236His. This variant has been reported in the compound heterozygous states in individuals with glycogen storage disease type 4 (Burrow et al. 2006. PubMed ID: 16528737; Malfatti et al. 2016. PubMed ID: 27546458; Table S2, Ravenscroft et al. 2020. PubMed ID: 33060286; Table 1, Magoulas et al. 2012. PubMed ID: 22305237). This variant is reported in 0.0070% of alleles in individuals of South Asian descent in gnomAD. This variant is interpreted as likely pathogenic.

MGZ Medical Genetics Center
Classification: Likely pathogenic for Glycogen storage disease, type IV. Last evaluated: 2022-08-12. Review status: criteria provided, single submitter. Criteria: ACMG Guidelines, 2015. Collection method: clinical testing. Allele origin: germline. Affected: yes. Observed: 2 variant alleles.
Comment: ACMG criteria applied: PS4, PM3, PM2_SUP, PP3

Women's Health and Genetics/Laboratory Corporation of America, LabCorp
Classification: Likely pathogenic for Glycogen storage disease, type IV. Last evaluated: 2022-01-14. Review status: criteria provided, single submitter. Criteria: LabCorp Variant Classification Summary - May 2015. Collection method: clinical testing. Allele origin: germline.
Comment: Variant summary: GBE1 c.708G>C (p.Gln236His) results in a non-conservative amino acid change located in the catalytic domain (IPR006047) of the encoded protein sequence. Five of five in-silico tools predict a damaging effect of the variant on protein function. The variant allele was found at a frequency of 2.1e-05 in 240712 control chromosomes (i.e. 5 heterozygous carriers) in the gnomAD database. The variant, c.708G>C, has been reported in the literature in at least 3 compound heterozygous individuals affected with Glycogen Storage Disease, Type IV (Burrow_2006, Malfatti_2016, Ravenscroft_2021), and in two of these cases biochemical- or electron microscopy studies confirmed the diagnosis in patient derived samples (Burrow_2006, Malfatti_2016). These data indicate that the variant is likely associated with disease. To our knowledge, no experimental evidence demonstrating an impact on protein function has been reported. One clinical diagnostic laboratory has submitted clinical-significance assessments for this variant to ClinVar after 2014 without evidence for independent evaluation, and classified the variant as likely pathogenic. Based on the evidence outlined above, the variant was classified as likely pathogenic.

Genome-Nilou Lab
Classification: Likely pathogenic for Glycogen storage disease, type IV. Last evaluated: 2021-07-22. Review status: criteria provided, single submitter. Criteria: ACMG Guidelines, 2015. Collection method: clinical testing. Allele origin: germline. Affected: no.

OMIM
Classification: Pathogenic for GLYCOGEN STORAGE DISEASE IV, CONGENITAL NEUROMUSCULAR. Last evaluated: 2006-04-15. Review status: no assertion criteria provided. Collection method: literature only. Allele origin: germline. Not counted in ClinVar's aggregate classification.

Literature cited by the submitters: PubMed 16528737 (cited by 5 submitters); PubMed 20058079 (cited by Mayo Clinic Laboratories, Mayo Clinic and Women's Health and Genetics/Laboratory Corporation of America, LabCorp); PubMed 22305237 (cited by Mayo Clinic Laboratories, Mayo Clinic and Women's Health and Genetics/Laboratory Corporation of America, LabCorp); PubMed 27546458 (cited by 4 submitters); PubMed 33060286 (cited by 4 submitters); PubMed 37598009 (cited by Mayo Clinic Laboratories, Mayo Clinic and Natera, Inc.); PubMed 31589614 (cited by Women's Health and Genetics/Laboratory Corporation of America, LabCorp); PubMed 30228975 (cited by Women's Health and Genetics/Laboratory Corporation of America, LabCorp); PubMed 26199317 (cited by Women's Health and Genetics/Laboratory Corporation of America, LabCorp); PubMed 29379554 (cited by Women's Health and Genetics/Laboratory Corporation of America, LabCorp); PubMed 33141444 (cited by Women's Health and Genetics/Laboratory Corporation of America, LabCorp).